The following is an entry in ClinVar:

ClinVar aggregate classification (germline): Uncertain significance (1 of 4 stars; one submission).

Conditions:
Cardiovascular phenotype. Identifiers: MedGen CN230736.

Submission:

Ambry Genetics
Classification: Uncertain significance for Cardiovascular phenotype. Last evaluated: 2026-08-19. Review status: criteria provided, single submitter. Criteria: Ambry Variant Classification Scheme 2023. Collection method: clinical testing. Allele origin: germline.
Comment: The p.Y1065S variant (also known as c.3194A>C), located in coding exon 23 of the DSP gene, results from an A to C substitution at nucleotide position 3194. The tyrosine at codon 1065 is replaced by serine, an amino acid with dissimilar properties. This amino acid position is conserved. In addition, this alteration is predicted to be deleterious by in silico analysis. Based on the available evidence, the clinical significance of this variant remains unclear.

NM_004415.4(DSP):c.3194A>C (p.Tyr1065Ser)

Gene: DSP (desmoplakin; plus strand). Cytogenetic location: 6p24.3.
Variant type: single nucleotide variant.
Coding change: c.3194A>C on transcript NM_004415.4 (MANE Select); coding-DNA position 3194, A replaced by C.
Protein change: p.Tyr1065Ser; replaces tyrosine 1065 with serine.
Molecular consequence: missense variant.
Genome position (GRCh38, 1-based): chr6:7,579,384, A>C. VCF-style: chr6-7579384-A-C. GRCh37 (hg19) VCF-style: chr6-7579617-A-C.
Other names: c.3194A>C, p.Tyr1065Ser (NM_001008844.3, NM_001319034.2); short protein forms Y1065S.
Identifiers: ClinVar variation 5035662 (VCV005035662.1).